The following is an entry in ClinVar:

NM_006019.4(TCIRG1):c.1567_1568delinsAG (p.Ala523Ser)

Gene: TCIRG1 (T cell immune regulator 1, ATPase H+ transporting V0 subunit a3; plus strand). Cytogenetic location: 11q13.2.
Variant type: Indel.
Coding change: c.1567_1568delinsAG on transcript NM_006019.4 (MANE Select); coding-DNA positions 1567 to 1568, GC replaced by AG.
Protein change: p.Ala523Ser; replaces alanine 523 with serine.
Molecular consequence: missense variant.
Genome position (GRCh38, 1-based): chr11:68,048,891-68,048,892, GC replaced by AG. VCF-style: chr11-68048891-GC-AG. GRCh37 (hg19) VCF-style: chr11-67816358-GC-AG.
Other names: c.673_674delinsAG, p.Ala225Ser (NM_001351059.2); c.919_920delinsAG, p.Ala307Ser (NM_006053.4); short protein forms A307S, A523S, A225S.
Identifiers: ClinVar variation 1412275 (VCV001412275.8), dbSNP rs2134459337, ClinGen allele CA2573147502.
Genomic context (GRCh38, chr11:68,048,891, plus strand): 5'-GATGGCGAGGGAGCCCCTGAGTCCAGCCCACCCCTGCTGCCACCCTAGATTTGGAGCCTG[GC>AG]TGCCAACCACTTGAGCTTCCTCAACTCCTTCAAGATGAAGATGTCCGTCATCCTGGGCGT-3'
Protein context (NP_006010.2, residues 513-533): PFGIDPIWSL[Ala523Ser]ANHLSFLNSF

ClinVar aggregate classification (germline): Uncertain significance (1 of 4 stars; one submission).

Submission:

Labcorp Genetics (formerly Invitae), Labcorp
Classification: Uncertain significance. Last evaluated: 2022-06-20. Review status: criteria provided, single submitter. Criteria: Invitae Variant Classification Sherloc (09022015). Collection method: clinical testing. Allele origin: germline.
Comment: Information on the frequency of this variant in the gnomAD database is not available, as this variant may be reported differently in the database. This variant has not been reported in the literature in individuals affected with TCIRG1-related conditions. Algorithms developed to predict the effect of missense changes on protein structure and function are either unavailable or do not agree on the potential impact of this missense change (SIFT: "Not Available"; PolyPhen-2: "Possibly Damaging"; Align-GVGD: "Not Available"). In summary, the available evidence is currently insufficient to determine the role of this variant in disease. Therefore, it has been classified as a Variant of Uncertain Significance. This sequence change replaces alanine, which is neutral and non-polar, with serine, which is neutral and polar, at codon 523 of the TCIRG1 protein (p.Ala523Ser).